The following is an entry in ClinVar:

ClinVar aggregate classification (germline): Uncertain significance. Review status: criteria provided, multiple submitters, no conflicts (2 of 4 stars). 2 submissions from 2 submitters: Uncertain significance (2). Last evaluated 2022-07-15.

Conditions:
Hereditary cancer-predisposing syndrome. Also called: Hereditary Cancer Syndrome; Hereditary neoplastic syndrome; Neoplastic Syndromes, Hereditary; Tumor predisposition. Identifiers: Orphanet 140162, MedGen C0027672, MeSH D009386, MONDO:0015356.

Submissions (2):

Ambry Genetics
Classification: Uncertain significance for Hereditary cancer-predisposing syndrome. Last evaluated: 2022-07-15. Review status: criteria provided, single submitter. Criteria: Ambry Variant Classification Scheme 2023. Collection method: clinical testing. Allele origin: germline.
Comment: The p.T44I variant (also known as c.131C>T), located in coding exon 2 of the RAD50 gene, results from a C to T substitution at nucleotide position 131. The threonine at codon 44 is replaced by isoleucine, an amino acid with similar properties. This amino acid position is conserved. In addition, this alteration is predicted to be deleterious by in silico analysis. Since supporting evidence is limited at this time, the clinical significance of this alteration remains unclear.

Labcorp Genetics (formerly Invitae), Labcorp
Classification: Uncertain significance for Hereditary cancer-predisposing syndrome. Last evaluated: 2022-07-09. Review status: criteria provided, single submitter. Criteria: Invitae Variant Classification Sherloc (09022015). Collection method: clinical testing. Allele origin: germline.
Comment: This sequence change replaces threonine, which is neutral and polar, with isoleucine, which is neutral and non-polar, at codon 44 of the RAD50 protein (p.Thr44Ile). This variant is not present in population databases (gnomAD no frequency). This variant has not been reported in the literature in individuals affected with RAD50-related conditions. Algorithms developed to predict the effect of missense changes on protein structure and function are either unavailable or do not agree on the potential impact of this missense change (SIFT: "Deleterious"; PolyPhen-2: "Probably Damaging"; Align-GVGD: "Class C0"). In summary, the available evidence is currently insufficient to determine the role of this variant in disease. Therefore, it has been classified as a Variant of Uncertain Significance.

NM_005732.4(RAD50):c.131C>T (p.Thr44Ile)

Gene: RAD50 (RAD50 double strand break repair protein; plus strand). Cytogenetic location: 5q31.1.
Variant type: single nucleotide variant.
Coding change: c.131C>T on transcript NM_005732.4 (MANE Select); coding-DNA position 131, C replaced by T.
Protein change: p.Thr44Ile; replaces threonine 44 with isoleucine.
Molecular consequence: missense variant.
Genome position (GRCh38, 1-based): chr5:132,559,285, C>T. VCF-style: chr5-132559285-C-T. GRCh37 (hg19) VCF-style: chr5-131894977-C-T.
Other names: short protein forms T44I.
Identifiers: ClinVar variation 1769868 (VCV001769868.7), dbSNP rs1229751571, ClinGen allele CA360953126.